The following is an entry in ClinVar:

ClinVar aggregate classification (germline): Uncertain significance (1 of 4 stars; one submission).

Conditions:
Hereditary cancer-predisposing syndrome. Also called: Neoplastic Syndromes, Hereditary; Tumor predisposition; Hereditary neoplastic syndrome; Hereditary Cancer Syndrome. Identifiers: Orphanet 140162, MedGen C0027672, MeSH D009386, MONDO:0015356.

Submission:

Ambry Genetics
Classification: Uncertain significance for Hereditary cancer-predisposing syndrome. Last evaluated: 2022-12-16. Review status: criteria provided, single submitter. Criteria: Ambry Variant Classification Scheme 2023. Collection method: clinical testing. Allele origin: germline.
Comment: The p.P74L variant (also known as c.221C>T), located in coding exon 2 of the SMARCB1 gene, results from a C to T substitution at nucleotide position 221. The proline at codon 74 is replaced by leucine, an amino acid with similar properties. This amino acid position is well conserved in available vertebrate species. In addition, the in silico prediction for this alteration is inconclusive. Missense and in-frame variants in SMARCB1 are known to cause neurodevelopmental disorders; however, such associations with rhabdoid tumor predisposition syndrome are exceedingly rare (Kosho T et al. Am J Med Genet C Semin Med Genet. 2014 Sep;166C(3):262-75; Eaton KW et al. Pediatr Blood Cancer. 2011 Jan;56(1):7-15). Based on the supporting evidence, the association of this alteration with Coffin-Siris syndrome is unknown; however, the association of this alteration with rhabdoid tumor predisposition syndrome is unlikely.

NM_003073.5(SMARCB1):c.221C>T (p.Pro74Leu)

Gene: SMARCB1 (SWI/SNF related BAF chromatin remodeling complex subunit B1; plus strand). Cytogenetic location: 22q11.23.
Variant type: single nucleotide variant.
Coding change: c.221C>T on transcript NM_003073.5 (MANE Select); coding-DNA position 221, C replaced by T.
Protein change: p.Pro74Leu; replaces proline 74 with leucine.
Molecular consequence: missense variant. On other transcripts: intron variant (2).
Genome position (GRCh38, 1-based): chr22:23,791,883, C>T. VCF-style: chr22-23791883-C-T. GRCh37 (hg19) VCF-style: chr22-24134070-C-T.
Other names: c.221C>T, p.Pro74Leu (NM_001362877.2); c.205+16C>T (NM_001317946.2, NM_001007468.3); short protein forms P74L.
Identifiers: ClinVar variation 2452590 (VCV002452590.2), dbSNP rs2145960602, ClinGen allele CA410933204.